The following is an entry in ClinVar:

NM_018418.5(SPATA7):c.1691C>G (p.Ser564Cys)

Gene: SPATA7 (spermatogenesis associated 7; plus strand). Cytogenetic location: 14q31.3.
Variant type: single nucleotide variant.
Coding change: c.1691C>G on transcript NM_018418.5 (MANE Select); coding-DNA position 1691, C replaced by G.
Protein change: p.Ser564Cys; replaces serine 564 with cysteine.
Molecular consequence: missense variant.
Genome position (GRCh38, 1-based): chr14:88,438,313, C>G. VCF-style: chr14-88438313-C-G. GRCh37 (hg19) VCF-style: chr14-88904657-C-G.
Other names: c.1595C>G, p.Ser532Cys (NM_001040428.4); short protein forms S532C, S564C.
Identifiers: ClinVar variation 1059220 (VCV001059220.10), dbSNP rs1379615692, ClinGen allele CA390573917.

ClinVar aggregate classification (germline): Uncertain significance. Review status: criteria provided, multiple submitters, no conflicts (2 of 4 stars). 2 submissions from 2 submitters: Uncertain significance (2). Last evaluated 2022-06-20.

Conditions:
Leber congenital amaurosis 3 (LCA3). Also called: SPATA7-Related Retinitis Pigmentosa. Identifiers: MedGen C1858677, MONDO:0011415, OMIM 604232.

Allele frequency attached by ClinVar (database versions not stated): gnomAD exomes below 0.00001 and 0.00001.
gnomAD v4.1: 2 of 1,614,000 alleles (0.00012%); highest among the groups gnomAD compares: Admixed American, 0.0033%; no homozygotes.

Submissions (2):

Labcorp Genetics (formerly Invitae), Labcorp
Classification: Uncertain significance for Leber congenital amaurosis 3. Last evaluated: 2022-06-20. Review status: criteria provided, single submitter. Criteria: Invitae Variant Classification Sherloc (09022015). Collection method: clinical testing. Allele origin: germline.
Comment: This variant is present in population databases (no rsID available, gnomAD 0.006%). This sequence change replaces serine, which is neutral and polar, with cysteine, which is neutral and slightly polar, at codon 564 of the SPATA7 protein (p.Ser564Cys). This variant has not been reported in the literature in individuals affected with SPATA7-related conditions. In summary, the available evidence is currently insufficient to determine the role of this variant in disease. Therefore, it has been classified as a Variant of Uncertain Significance. Algorithms developed to predict the effect of missense changes on protein structure and function output the following: SIFT: "Deleterious"; PolyPhen-2: "Benign"; Align-GVGD: "Class C0". The cysteine amino acid residue is found in multiple mammalian species, which suggests that this missense change does not adversely affect protein function. ClinVar contains an entry for this variant (Variation ID: 1059220).

Blueprint Genetics
Classification: Uncertain significance. Last evaluated: 2021-03-27. Review status: criteria provided, single submitter. Criteria: ACMG Guidelines, 2015. Collection method: clinical testing. Allele origin: germline.